The following is an entry in ClinVar:

ClinVar aggregate classification (germline): Benign/Likely benign. Review status: criteria provided, multiple submitters, no conflicts (2 of 4 stars). 4 submissions from 4 submitters: Benign (1); Likely benign (3). Last evaluated 2026-03-01.

Conditions:
KDM6B-related disorder. Also called: KDM6B-related condition.

Allele frequency attached by ClinVar (database versions not stated): gnomAD exomes 0.00074; ExAC 0.00095; ESP Exome Variant Server 0.00315; gnomAD 0.00319; 1000 Genomes Project 30x 0.00328; TOPMed 0.00331; 1000 Genomes Project 0.00379.
gnomAD v4.1: 814 of 1,612,540 alleles (0.05%); highest among the groups gnomAD compares: African/African-American, 0.99%; 3 homozygotes.

Submissions (4):

CeGaT Center for Human Genetics Tuebingen
Classification: Likely benign. Last evaluated: 2026-03-01. Review status: criteria provided, single submitter. Criteria: CeGaT Center For Human Genetics Tuebingen Variant Classification Criteria Version 2. Collection method: clinical testing. Allele origin: germline. Affected: yes. Observed: 1 variant allele.
Comment: KDM6B: BP4, BS1

PreventionGenetics, part of Exact Sciences
Classification: Likely benign for KDM6B-related condition. Last evaluated: 2024-12-31. Review status: criteria provided, single submitter. Criteria: ACMG Guidelines, 2015. Collection method: clinical testing. Allele origin: germline.
Comment: This variant is classified as likely benign based on ACMG/AMP sequence variant interpretation guidelines (Richards et al. 2015 PMID: 25741868, with internal and published modifications).

Blueprint Genetics
Classification: Likely benign. Last evaluated: 2024-09-11. Review status: criteria provided, single submitter. Criteria: ACMG Guidelines, 2015. Collection method: clinical testing. Allele origin: germline.

Labcorp Genetics (formerly Invitae), Labcorp
Classification: Benign. Last evaluated: 2018-08-16. Review status: criteria provided, single submitter. Criteria: Invitae Variant Classification Sherloc (09022015). Collection method: clinical testing. Allele origin: germline.

NM_001348716.2(KDM6B):c.910-7C>T

Gene: KDM6B (lysine demethylase 6B; plus strand). Cytogenetic location: 17p13.1.
Variant type: single nucleotide variant.
Coding change: c.910-7C>T on transcript NM_001348716.2 (MANE Select); 7 bases into the intron before coding-DNA position 910, C replaced by T.
Molecular consequence: intron variant.
Genome position (GRCh38, 1-based): chr17:7,847,098, C>T. VCF-style: chr17-7847098-C-T. GRCh37 (hg19) VCF-style: chr17-7750416-C-T.
Other names: c.910-7C>T (NM_001080424.2).
Identifiers: ClinVar variation 725485 (VCV000725485.9), dbSNP rs11870799, ClinGen allele CA8360442.
Genomic context (GRCh38, chr17:7,847,098, plus strand): 5'-TTCACCTCTCACCTACAAGTCCCACGCTCTCTATTCCTCATCCTGCATCCCTGTTTATCT[C>T]CTATAGGAGCAGCGGCACTCGCTGCCTCACCCATATCCATACCCAGCTCCAGCGTACACC-3'